The following is an entry in ClinVar:

NM_001377265.1(MAPT):c.262G>A (p.Glu88Lys)

Gene: MAPT (microtubule associated protein tau). Cytogenetic location: 17q21.31.
Variant type: single nucleotide variant.
Coding change: c.262G>A on transcript NM_001377265.1 (MANE Select); coding-DNA position 262, G replaced by A.
Protein change: p.Glu88Lys; replaces glutamic acid 88 with lysine.
Molecular consequence: missense variant. On other transcripts: non-coding transcript variant (1).
Genome position (GRCh38, 1-based): chr17:45,978,416, G>A. VCF-style: chr17-45978416-G-A. GRCh37 (hg19) VCF-style: chr17-44055782-G-A.
Other names: c.349G>A, p.Glu117Lys (NM_001123066.4, NM_001203252.2, NM_005910.6 and 1 more transcripts); c.262G>A, p.Glu88Lys (NM_001123067.4, NM_001203251.2, NM_001377266.1 and 1 more transcripts); c.175G>A, p.Glu59Lys (NM_001377268.1, NM_016834.5, NM_016841.5); short protein forms E117K, E59K, E88K.
Identifiers: ClinVar variation 852322 (VCV000852322.10), dbSNP rs373705830, ClinGen allele CA8617642.

ClinVar aggregate classification (germline): Uncertain significance (1 of 4 stars; one submission).

Conditions:
Frontotemporal dementia (FTD1). Also called: MULTIPLE SYSTEM TAUOPATHY WITH PRESENILE DEMENTIA; Dementia, frontotemporal, with or without parkinsonism; WILHELMSEN-LYNCH DISEASE; FRONTOTEMPORAL DEMENTIA WITH PARKINSONISM; FRONTOTEMPORAL LOBE DEMENTIA; Frontotemporal Dementia with Parkinsonism-17 (FTDP-17). Identifiers: Orphanet 282, MedGen C0338451, MONDO:0017276, OMIM 600274, HP:0002145.

Allele frequency attached by ClinVar (database versions not stated): gnomAD exomes 0.00001; TOPMed 0.00001; ExAC 0.00002; ESP Exome Variant Server 0.00008.
gnomAD v4.1: 13 of 1,607,950 alleles (0.00081%); highest among the groups gnomAD compares: Middle Eastern, 0.017%; no homozygotes.

Submission:

Labcorp Genetics (formerly Invitae), Labcorp
Classification: Uncertain significance for Frontotemporal dementia. Last evaluated: 2022-08-05. Review status: criteria provided, single submitter. Criteria: Invitae Variant Classification Sherloc (09022015). Collection method: clinical testing. Allele origin: germline.
Comment: In summary, the available evidence is currently insufficient to determine the role of this variant in disease. Therefore, it has been classified as a Variant of Uncertain Significance. Algorithms developed to predict the effect of missense changes on protein structure and function (SIFT, PolyPhen-2, Align-GVGD) all suggest that this variant is likely to be tolerated. ClinVar contains an entry for this variant (Variation ID: 852322). This missense change has been observed in individual(s) with Parkinson disease (PMID: 32171587). This variant is present in population databases (rs373705830, gnomAD 0.01%). This sequence change replaces glutamic acid, which is acidic and polar, with lysine, which is basic and polar, at codon 117 of the MAPT protein (p.Glu117Lys).

Literature cited by the submitters: PubMed 32171587.